The following is an entry in ClinVar:

ClinVar aggregate classification (germline): Uncertain significance (1 of 4 stars; one submission).

Conditions:
Cardiovascular phenotype. Identifiers: MedGen CN230736.

Submission:

Ambry Genetics
Classification: Uncertain significance for Cardiovascular phenotype. Last evaluated: 2021-11-15. Review status: criteria provided, single submitter. Criteria: Ambry Variant Classification Scheme 2023. Collection method: clinical testing. Allele origin: germline.
Comment: The p.R723L variant (also known as c.2168G>T), located in coding exon 18 of the MYH7 gene, results from a G to T substitution at nucleotide position 2168. The arginine at codon 723 is replaced by leucine, an amino acid with dissimilar properties. This alteration is located in the myosin head domain, which contains a statistically significant clustering of pathogenic missense variants (Homburger JR et al. Proc Natl Acad Sci U S A, 2016 06;113:6701-6; Walsh R et al. Genet Med, 2017 02;19:192-203; Ambry internal data). This amino acid position is highly conserved in available vertebrate species. In addition, the in silico prediction for this alteration is inconclusive. Since supporting evidence is limited at this time, the clinical significance of this alteration remains unclear.

NM_000257.4(MYH7):c.2168G>T (p.Arg723Leu)

Gene: MYH7 (myosin heavy chain 7; minus strand). Cytogenetic location: 14q11.2.
Variant type: single nucleotide variant.
Coding change: c.2168G>T on transcript NM_000257.4 (MANE Select); coding-DNA position 2168, G replaced by T.
Protein change: p.Arg723Leu; replaces arginine 723 with leucine.
Molecular consequence: missense variant.
Genome position (GRCh38, 1-based): chr14:23,425,813, C>A on the plus strand (G>T on the coding strand, the complement: MYH7 is on the minus strand). VCF-style: chr14-23425813-C-A. GRCh37 (hg19) VCF-style: chr14-23895022-C-A.
Other names: c.2168G>T, p.Arg723Leu (NM_001407004.1); short protein forms R723L.
Identifiers: ClinVar variation 1787016 (VCV001787016.2), dbSNP rs397516135, ClinGen allele CA389048981.